The following is an entry in ClinVar:

ClinVar aggregate classification (germline): Likely benign. Review status: criteria provided, single submitter (1 of 4 stars). 2 submissions from 2 submitters: Likely benign (1). 1 of the submissions does not count toward it. Last evaluated 2024-07-22.

Conditions:
CLCN2-related disorder. Also called: CLCN2-related condition; CLCN2-related disorders.

Allele frequency attached by ClinVar (database versions not stated): gnomAD 0.00001; gnomAD exomes 0.00001; ExAC 0.00002; TOPMed 0.00002.
gnomAD v4.1: 19 of 1,613,310 alleles (0.0012%); highest among the groups gnomAD compares: South Asian, 0.0055%; no homozygotes.

Submissions (2):

Blueprint Genetics
Classification: Likely benign. Last evaluated: 2024-07-22. Review status: criteria provided, single submitter. Criteria: ACMG Guidelines, 2015. Collection method: clinical testing. Allele origin: germline.

PreventionGenetics, part of Exact Sciences
Classification: Likely benign for CLCN2-related condition. Last evaluated: 2023-06-22. Review status: no assertion criteria provided. Collection method: clinical testing. Allele origin: germline. Not counted in ClinVar's aggregate classification.
Comment: This variant is classified as likely benign based on ACMG/AMP sequence variant interpretation guidelines (Richards et al. 2015 PMID: 25741868, with internal and published modifications).

NM_004366.6(CLCN2):c.1611C>T (p.Ala537=)

Gene: CLCN2 (chloride voltage-gated channel 2; minus strand). Cytogenetic location: 3q27.1.
Variant type: single nucleotide variant.
Coding change: c.1611C>T on transcript NM_004366.6 (MANE Select); coding-DNA position 1611, C replaced by T.
Protein change: p.Ala537=; no amino-acid change (alanine 537 retained).
Molecular consequence: synonymous variant.
Genome position (GRCh38, 1-based): chr3:184,354,211, G>A on the plus strand (C>T on the coding strand, the complement: CLCN2 is on the minus strand). VCF-style: chr3-184354211-G-A. GRCh37 (hg19) VCF-style: chr3-184071999-G-A.
Other names: c.1560C>T, p.Ala520= (NM_001171087.3); c.1479C>T, p.Ala493= (NM_001171088.3); c.1611C>T, p.Ala537= (NM_001171089.3).
Identifiers: ClinVar variation 3036031 (VCV003036031.3), dbSNP rs746824041, ClinGen allele CA2734033.
Genomic context (GRCh38, chr3:184,354,211, plus strand): 5'-GATGATGCTGTCATAGAGGGAGGGCTGCAGACTCTGGGCGACAGCGTTGGCCAGGATGAC[G>A]GCGATCATGACAGGCAGGATGTGGGCAATCTGGCCTGTGAGCTCGAACACGATCACAGCC-3'
Protein context (NP_004357.3, residues 527-547): QIAHILPVMI[Ala537=]VILANAVAQS